The following is an entry in ClinVar:

NM_001205293.3(CACNA1E):c.3353A>T (p.Lys1118Met)

Gene: CACNA1E (calcium voltage-gated channel subunit alpha1 E; plus strand). Cytogenetic location: 1q25.3.
Variant type: single nucleotide variant.
Coding change: c.3353A>T on transcript NM_001205293.3 (MANE Select); coding-DNA position 3353, A replaced by T.
Protein change: p.Lys1118Met; replaces lysine 1118 with methionine.
Molecular consequence: missense variant.
Genome position (GRCh38, 1-based): chr1:181,736,365, A>T. VCF-style: chr1-181736365-A-T. GRCh37 (hg19) VCF-style: chr1-181705501-A-T.
Other names: c.3353A>T, p.Lys1118Met (NM_000721.4); c.3296A>T, p.Lys1099Met (NM_001205294.2); short protein forms K1099M, K1118M.
Identifiers: ClinVar variation 3253151 (VCV003253151.2), dbSNP rs2528748381.
Genomic context (GRCh38, chr1:181,736,365, plus strand): 5'-CCTTGAAGGAGGCAGAGATCAGAGAGGATGAGGAGGAGGTGGAGAAGAAGAAGCAGAAGA[A>T]GGAGAAGCGTGAGACAGGCAAAGCCATGGTGCCCCACAGCTCAATGTTCATCTTCAGCAC-3'
Protein context (NP_001192222.1, residues 1108-1128): EEEVEKKKQK[Lys1118Met]EKRETGKAMV

ClinVar aggregate classification (germline): Uncertain significance (1 of 4 stars; one submission).

gnomAD v4.1: 1 of 1,611,502 alleles (0.000062%); no homozygotes.

Submission:

GeneDx
Classification: Uncertain significance. Last evaluated: 2026-01-13. Review status: criteria provided, single submitter. Criteria: GeneDx Variant Classification Process June 2021. Collection method: clinical testing. Allele origin: germline.
Comment: Not observed at significant frequency in large population cohorts (gnomAD); In silico analysis supports that this missense variant has a deleterious effect on protein structure/function; Has not been previously published as pathogenic or benign to our knowledge